The following is an entry in ClinVar:

NM_001365276.2(TNXB):c.4381CAA[1] (p.Gln1462del)

Gene: TNXB (tenascin XB; minus strand). Cytogenetic location: 6p21.33.
Variant type: Microsatellite.
Coding change: c.4381CAA[1] on transcript NM_001365276.2 (MANE Select); one copy of the 3-base unit CAA starting at c.4381; the reference has two copies in a row; one copy, 3 bases deleted.
Protein change: p.Gln1462del; deletes glutamine 1462.
Molecular consequence: inframe deletion.
Genome position (GRCh38, 1-based): chr6:32,073,942-32,073,944, TTG deleted on the plus strand (CAA on the coding strand, the reverse complement: TNXB is on the minus strand); deleting any 3 consecutive bases within chr6:32,073,942-32,073,948 gives the same sequence; the position shown is the placement nearest the transcript's 3' end. VCF-style (leftmost placement, unchanged base first): chr6-32073941-CTTG-C. GRCh37 (hg19) VCF-style: chr6-32041718-CTTG-C.
Other names: c.5122CAA[1], p.Gln1709del (NM_001428335.1); c.4381CAA[1], p.Gln1462del (NM_019105.8); short protein forms Q1462del, Q1709del.
Identifiers: ClinVar variation 5004402 (VCV005004402.1).
Genomic context (GRCh38, chr6:32,073,941, plus strand): 5'-TCACTGTCAGCTCTCCTAGGCGTGGCTCCAGCGGGGACTCAGTGGCTGGAGGGGTCTCTT[CTTG>C]TTGTGGGGCTGGGACAGAGATGGTAGGGGGCTGTTAGTAAAGAATCCCCCTTTTCTTATA-3'

ClinVar aggregate classification (germline): Uncertain significance (1 of 4 stars; one submission).

Conditions:
Ehlers-Danlos syndrome due to tenascin-X deficiency (EDSCLL1). Also called: EHLERS-DANLOS SYNDROME, CLASSIC-LIKE; Ehlers-Danlos syndrome, classic-like, 1; EDS DUE TO TNX DEFICIENCY; TNX DEFICIENCY; TNXB-Related Classical-Like Ehlers-Danlos Syndrome. Identifiers: Orphanet 230839, MedGen C1848029, MONDO:0011670, OMIM 606408.

Submission:

Myriad Genetics, Inc.
Classification: Uncertain significance for Ehlers-Danlos syndrome due to tenascin-X deficiency. Last evaluated: 2026-01-21. Review status: criteria provided, single submitter. Criteria: Myriad Autosomal Dominant, Autosomal Recessive and X-Linked Classification Criteria (2023). Collection method: clinical testing. Allele origin: unknown.
Comment: NM_019105.6(TNXB):c.4384_4386delCAA(Q1462del) is an in-frame deletion classified as a variant of uncertain significance in the context of classical-like Ehlers-Danlos syndrome, TNXB-related. Q1462del has not been observed in cases with relevant disease. Relevant functional assessments of this variant are not available in the literature. Q1462del has not been observed in referenced population frequency databases. In summary, there is insufficient evidence to classify NM_019105.6(TNXB):c.4384_4386delCAA(Q1462del) as pathogenic or benign. Please note: this variant was assessed in the context of healthy population screening.